The following is an entry in ClinVar:

NC_000009.11:g.(?_137591735)_(137593199_?)del

Gene: COL5A1 (collagen type V alpha 1 chain; plus strand). Cytogenetic location: 9q34.3.
Variant type: Deletion.
Identifiers: ClinVar variation 2422352 (VCV002422352.7).

ClinVar aggregate classification (germline): Pathogenic (1 of 4 stars; one submission).

Conditions:
Ehlers-Danlos syndrome, classic type, 1 (EDSCL1). Also called: EDS I; EHLERS-DANLOS SYNDROME, GRAVIS TYPE; EHLERS-DANLOS SYNDROME, SEVERE CLASSIC TYPE; Ehlers-Danlos syndrome, type 1; Ehlers-Danlos Syndrome, Classic Type, COL5A1-Related. Identifiers: MedGen C0268335, MONDO:0019567, OMIM 130000.

Submission:

Labcorp Genetics (formerly Invitae), Labcorp
Classification: Pathogenic for Ehlers-Danlos syndrome, classic type, 1. Last evaluated: 2022-06-24. Review status: criteria provided, single submitter. Criteria: Invitae Variant Classification Sherloc (09022015). Collection method: clinical testing. Allele origin: germline.
Comment: For these reasons, this variant has been classified as Pathogenic. This variant has not been reported in the literature in individuals affected with COL5A1-related conditions. This variant is a gross deletion of the genomic region encompassing exon(s) 3-4 of the COL5A1 gene. This deletion is out-of-frame, and is expected to create a premature termination codon and result in an absent or disrupted protein product. Loss-of-function variants in COL5A1 are known to be pathogenic (PMID: 23587214).

Literature cited by the submitters: PubMed 23587214.